The following is an entry in ClinVar:

ClinVar aggregate classification (germline): Uncertain significance (1 of 4 stars; one submission).

gnomAD v4.1: 12 of 1,613,200 alleles (0.00074%); highest among the groups gnomAD compares: Middle Eastern, 0.05%; no homozygotes.

Submission:

GeneDx
Classification: Uncertain significance. Last evaluated: 2025-08-07. Review status: criteria provided, single submitter. Criteria: GeneDx Variant Classification Process June 2021. Collection method: clinical testing. Allele origin: germline. Affected: yes.
Comment: In silico analysis supports that this missense variant has a deleterious effect on protein structure/function; Has not been previously published as pathogenic or benign to our knowledge

NM_004667.6(HERC2):c.5455C>T (p.Arg1819Cys)

Gene: HERC2 (HECT and RLD domain containing E3 ubiquitin protein ligase 2; minus strand). Cytogenetic location: 15q13.1.
Variant type: single nucleotide variant.
Coding change: c.5455C>T on transcript NM_004667.6 (MANE Select); coding-DNA position 5455, C replaced by T.
Protein change: p.Arg1819Cys; replaces arginine 1819 with cysteine.
Molecular consequence: missense variant.
Genome position (GRCh38, 1-based): chr15:28,228,227, G>A on the plus strand (C>T on the coding strand, the complement: HERC2 is on the minus strand). VCF-style: chr15-28228227-G-A. GRCh37 (hg19) VCF-style: chr15-28473373-G-A.
Other names: short protein forms R1819C.
Identifiers: ClinVar variation 4755695 (VCV004755695.1).